The following is an entry in ClinVar:

NM_014423.4(AFF4):c.1709C>T (p.Ala570Val)

Gene: AFF4 (ALF transcription elongation factor 4; minus strand). Cytogenetic location: 5q31.1.
Variant type: single nucleotide variant.
Coding change: c.1709C>T on transcript NM_014423.4 (MANE Select); coding-DNA position 1709, C replaced by T.
Protein change: p.Ala570Val; replaces alanine 570 with valine.
Molecular consequence: missense variant.
Genome position (GRCh38, 1-based): chr5:132,896,921, G>A on the plus strand (C>T on the coding strand, the complement: AFF4 is on the minus strand). VCF-style: chr5-132896921-G-A. GRCh37 (hg19) VCF-style: chr5-132232613-G-A.
Other names: short protein forms A570V.
Identifiers: ClinVar variation 1374999 (VCV001374999.6), dbSNP rs754975152, ClinGen allele CA3409050.
Genomic context (GRCh38, chr5:132,896,921, plus strand): 5'-ACAGGGGTTTCACTTTCTATCTTCAGGCCTCCACGAGGCTCTTCAGCAGCTGCCTTCTCA[G>A]CCTTTTTGGGTTGTTTTTTGCCTACAGTTCTTCTCTGTGTTGTGCTGTCACTCTGTGCAG-3'
Protein context (NP_055238.1, residues 560-580): RTVGKKQPKK[Ala570Val]EKAAAEEPRG

ClinVar aggregate classification (germline): Uncertain significance (1 of 4 stars; one submission).

Conditions:
Cognitive impairment - coarse facies - heart defects - obesity - pulmonary involvement - short stature - skeletal dysplasia syndrome. Also called: COGNITIVE IMPAIRMENT, COARSE FACIES, HEART DEFECTS, OBESITY, PULMONARY INVOLVEMENT, SHORT STATURE, AND SKELETAL DYSPLASIA; Chops syndrome; AFF4-Related CHOPS Syndrome. Identifiers: Orphanet 444077, MedGen C4085597, MONDO:0014609, OMIM 616368.

Allele frequency attached by ClinVar (database versions not stated): ExAC 0.00001.

Submission:

Labcorp Genetics (formerly Invitae), Labcorp
Classification: Uncertain significance for Cognitive impairment - coarse facies - heart defects - obesity - pulmonary involvement - short stature - skeletal dysplasia syndrome. Last evaluated: 2024-11-05. Review status: criteria provided, single submitter. Criteria: Invitae Variant Classification Sherloc (09022015). Collection method: clinical testing. Allele origin: germline.
Comment: This sequence change replaces alanine, which is neutral and non-polar, with valine, which is neutral and non-polar, at codon 570 of the AFF4 protein (p.Ala570Val). This variant is not present in population databases (gnomAD no frequency). This variant has not been reported in the literature in individuals affected with AFF4-related conditions. ClinVar contains an entry for this variant (Variation ID: 1374999). Invitae Evidence Modeling of protein sequence and biophysical properties (such as structural, functional, and spatial information, amino acid conservation, physicochemical variation, residue mobility, and thermodynamic stability) indicates that this missense variant is not expected to disrupt AFF4 protein function with a negative predictive value of 80%. In summary, the available evidence is currently insufficient to determine the role of this variant in disease. Therefore, it has been classified as a Variant of Uncertain Significance.